The following is an entry in ClinVar:

ClinVar aggregate classification (germline): Uncertain significance. Review status: criteria provided, multiple submitters, no conflicts (2 of 4 stars). 3 submissions from 3 submitters: Uncertain significance (3). Last evaluated 2025-09-01.

Conditions:
Hyperkalemic periodic paralysis. Also called: Familial hyperkalemic periodic paralysis; Gamstorp disease. Identifiers: Orphanet 682, MedGen C0238357, MONDO:0008224, OMIM 170500, HP:0007215.

Allele frequency attached by ClinVar (database versions not stated): gnomAD exomes below 0.00001.
gnomAD v4.1: 1 of 1,613,996 alleles (0.000062%); highest among the groups gnomAD compares: Non-Finnish European, 0.000085%; no homozygotes.

Submissions (3):

CeGaT Center for Human Genetics Tuebingen
Classification: Uncertain significance. Last evaluated: 2025-09-01. Review status: criteria provided, single submitter. Criteria: CeGaT Center For Human Genetics Tuebingen Variant Classification Criteria Version 2. Collection method: clinical testing. Allele origin: germline. Affected: yes. Observed: 1 variant allele.
Comment: SCN4A: PM2:Supporting

GeneDx
Classification: Uncertain significance. Last evaluated: 2024-09-23. Review status: criteria provided, single submitter. Criteria: GeneDx Variant Classification Process June 2021. Collection method: clinical testing. Allele origin: germline. Affected: yes.
Comment: Reported as heterozygous in an individual with congenital myopathy and scoliosis in the published literature (PMID: 33879512); Not observed at significant frequency in large population cohorts (gnomAD); In silico analysis supports that this missense variant has a deleterious effect on protein structure/function; This variant is associated with the following publications: (PMID: 33879512)

Labcorp Genetics (formerly Invitae), Labcorp
Classification: Uncertain significance for Hyperkalemic periodic paralysis. Last evaluated: 2023-01-28. Review status: criteria provided, single submitter. Criteria: Invitae Variant Classification Sherloc (09022015). Collection method: clinical testing. Allele origin: germline.
Comment: This variant is not present in population databases (gnomAD no frequency). This missense change has been observed in individual(s) with clinical features of SCN4A-related conditions (PMID: 33879512). Advanced modeling of protein sequence and biophysical properties (such as structural, functional, and spatial information, amino acid conservation, physicochemical variation, residue mobility, and thermodynamic stability) has been performed at Invitae for this missense variant, however the output from this modeling did not meet the statistical confidence thresholds required to predict the impact of this variant on SCN4A protein function. In summary, the available evidence is currently insufficient to determine the role of this variant in disease. Therefore, it has been classified as a Variant of Uncertain Significance. This sequence change replaces methionine, which is neutral and non-polar, with valine, which is neutral and non-polar, at codon 448 of the SCN4A protein (p.Met448Val).

Literature cited by the submitters: PubMed 33879512 (cited by Labcorp Genetics (formerly Invitae), Labcorp).

NM_000334.4(SCN4A):c.1342A>G (p.Met448Val)

Gene: SCN4A (sodium voltage-gated channel alpha subunit 4; minus strand). Cytogenetic location: 17q23.3.
Variant type: single nucleotide variant.
Coding change: c.1342A>G on transcript NM_000334.4 (MANE Select); coding-DNA position 1342, A replaced by G.
Protein change: p.Met448Val; replaces methionine 448 with valine.
Molecular consequence: missense variant.
Genome position (GRCh38, 1-based): chr17:63,964,578, T>C on the plus strand (A>G on the coding strand, the complement: SCN4A is on the minus strand). VCF-style: chr17-63964578-T-C. GRCh37 (hg19) VCF-style: chr17-62041938-T-C.
Other names: short protein forms M448V.
Identifiers: ClinVar variation 2961946 (VCV002961946.11), dbSNP rs2509315681, ClinGen allele CA400635006.
Genomic context (GRCh38, chr17:63,964,578, plus strand): 5'-ACTCCTCCTCTTTCTCCTTATCCTCGGCCAGGGTGGCCTCATTCTGCTCGGCATATGCCA[T>C]GGCCACCACGGCCAGGATCAGATTGATGAGGTAGAAAGAGCCCAGGAAGATGATGACCAC-3'
Protein context (NP_000325.4, residues 438-458): LINLILAVVA[Met448Val]AYAEQNEATL